The following is an entry in ClinVar:

ClinVar aggregate classification (germline): Uncertain significance (1 of 4 stars; one submission).

Conditions:
Intellectual developmental disorder, autosomal dominant 52. Also called: Intellectual disability, autosomal dominant 52; Mental retardation, autosomal dominant 52. Identifiers: MedGen C4540478, MONDO:0030918, OMIM 617796.

Submission:

Laboratorio de Genetica e Diagnostico Molecular, Hospital Israelita Albert Einstein
Classification: Uncertain significance for Intellectual developmental disorder, autosomal dominant 52. Last evaluated: 2024-10-29. Review status: criteria provided, single submitter. Criteria: ACMG Guidelines, 2015. Collection method: clinical testing. Allele origin: germline. Affected: yes.
Comment: ACMG classification criteria: PM2 supporting, PP2 supporting, BP4 supporting

NM_018489.3(ASH1L):c.4186A>G (p.Ile1396Val)

Gene: ASH1L (ASH1 like histone lysine methyltransferase; minus strand). Cytogenetic location: 1q22.
Variant type: single nucleotide variant.
Coding change: c.4186A>G on transcript NM_018489.3 (MANE Select); coding-DNA position 4186, A replaced by G.
Protein change: p.Ile1396Val; replaces isoleucine 1396 with valine.
Molecular consequence: missense variant.
Genome position (GRCh38, 1-based): chr1:155,478,684, T>C on the plus strand (A>G on the coding strand, the complement: ASH1L is on the minus strand). VCF-style: chr1-155478684-T-C. GRCh37 (hg19) VCF-style: chr1-155448475-T-C.
Other names: c.4186A>G, p.Ile1396Val (NM_001366177.2); short protein forms I1396V.
Identifiers: ClinVar variation 3900994 (VCV003900994.1).